The following is an entry in ClinVar:

NC_000001.10:g.(?_197390110)_(197398764_?)dup

Gene: CRB1 (crumbs cell polarity complex component 1; plus strand). Cytogenetic location: 1q31.3.
Variant type: Duplication.
Identifiers: ClinVar variation 1412995 (VCV001412995.5).

ClinVar aggregate classification (germline): Uncertain significance (1 of 4 stars; one submission).

Conditions:
Leber congenital amaurosis 8 (LCA8). Identifiers: Orphanet 65, MedGen C3151202, MONDO:0013453, OMIM 613835.
Retinitis pigmentosa 12 (RP12). Also called: RP WITH OR WITHOUT PPRPE; RP WITH OR WITHOUT PRESERVED PARAARTERIOLE RETINAL PIGMENT EPITHELIUM; RETINITIS PIGMENTOSA WITH OR WITHOUT PARAARTERIOLAR PRESERVATION OF RETINAL PIGMENT EPITHELIUM. Identifiers: Orphanet 791, MedGen C1838647, MONDO:0010818, OMIM 600105.

Submission:

Labcorp Genetics (formerly Invitae), Labcorp
Classification: Uncertain significance for Leber congenital amaurosis 8; Retinitis pigmentosa 12. Last evaluated: 2022-07-18. Review status: criteria provided, single submitter. Criteria: Invitae Variant Classification Sherloc (09022015). Collection method: clinical testing. Allele origin: germline.
Comment: In summary, the available evidence is currently insufficient to determine the role of this variant in disease. Therefore, it has been classified as a Variant of Uncertain Significance. Experimental studies and prediction algorithms are not available or were not evaluated, and the functional significance of this variant is currently unknown. A similar copy number variant has been observed in individual(s) with retinitis pigmentosa (Invitae). In at least one individual the data is consistent with being in trans (on the opposite chromosome) from a pathogenic variant. This variant results in a copy number gain of the genomic region encompassing exon(s) 6-8 of the CRB1 gene. While the exact position of this variant cannot be determined from the data, sub-genic copy number gains are generally in tandem (PMID: 25640679). This variant is predicted to be in-frame, and likely preserves the integrity of the reading frame.

Literature cited by the submitters: PubMed 25640679.